The following is an entry in ClinVar:

ClinVar aggregate classification (germline): Uncertain significance. Review status: reviewed by expert panel (3 of 4 stars). 3 submissions from 3 submitters: Uncertain significance (1). 2 of the submissions do not count toward it. Last evaluated 2024-09-25.

Conditions:
Hereditary thrombocytopenia and hematological cancer predisposition syndrome associated with RUNX1. Also called: Familial thrombocytopenia with propensity to acute myelogenous leukemia; PLATELET DISORDER, ASPIRIN-LIKE; RUNX1 Familial Platelet Disorder with Associated Myeloid Malignancies; Familial Platelet Disorder with Propensity to Acute Myelogenous Leukemia. Identifiers: Orphanet 71290, MedGen C1832388, MeSH C563324, MONDO:0100083, OMIM 601399.
Inborn genetic diseases. Identifiers: MedGen C0950123, MeSH D030342.
Hereditary thrombocytopenia and hematologic cancer predisposition syndrome. Identifiers: Orphanet 71290, MedGen CN281654, MONDO:0011071.

Allele frequency attached by ClinVar (database versions not stated): gnomAD exomes 0.00001.

Submissions (3):

ClinGen Myeloid Malignancy Variant Curation Expert Panel
Classification: Uncertain significance for Hereditary thrombocytopenia and hematologic cancer predisposition syndrome. Last evaluated: 2024-09-25. Review status: reviewed by expert panel. Criteria: ClinGen MyeloMalig ACMG Specifications v2. Collection method: curation. Allele origin: germline. Inheritance: Autosomal dominant inheritance.
Comment: NM_001754.5(RUNX1):c.910C>T (p.Pro304Ser) is a missense variant which is completely absent from population databases which provide at least 20x coverage for RUNX1 (PM2_supporting). This variant has a REVEL score of 0.167, which is less than 0.50 and a spliceAI score >0.2 (0.0) (BP4). In summary, the clinical significance of this variant is uncertain. ACMG/AMP criteria applied, as specified by the Myeloid Malignancy Variant Curation Expert Panel for RUNX1: PM2_supporting, BP4.

Ambry Genetics
Classification: Uncertain significance for Inborn genetic diseases. Last evaluated: 2025-11-25. Review status: criteria provided, single submitter. Criteria: Ambry Variant Classification Scheme 2023. Collection method: clinical testing. Allele origin: germline. Not counted in ClinVar's aggregate classification.
Comment: The p.P304S variant (also known as c.910C>T), located in coding exon 7 of the RUNX1 gene, results from a C to T substitution at nucleotide position 910. The proline at codon 304 is replaced by serine, an amino acid with similar properties. This amino acid position is conserved. In addition, this alteration is predicted to be tolerated by in silico analysis. Based on the available evidence, the clinical significance of this variant remains unclear.

Labcorp Genetics (formerly Invitae), Labcorp
Classification: Uncertain significance for Hereditary thrombocytopenia and hematological cancer predisposition syndrome associated with RUNX1. Last evaluated: 2023-10-13. Review status: criteria provided, single submitter. Criteria: Invitae Variant Classification Sherloc (09022015). Collection method: clinical testing. Allele origin: germline. Not counted in ClinVar's aggregate classification.
Comment: This sequence change replaces proline, which is neutral and non-polar, with serine, which is neutral and polar, at codon 304 of the RUNX1 protein (p.Pro304Ser). This variant is not present in population databases (gnomAD no frequency). This variant has not been reported in the literature in individuals affected with RUNX1-related conditions. ClinVar contains an entry for this variant (Variation ID: 1010346). Advanced modeling of protein sequence and biophysical properties (such as structural, functional, and spatial information, amino acid conservation, physicochemical variation, residue mobility, and thermodynamic stability) performed at Invitae indicates that this missense variant is not expected to disrupt RUNX1 protein function. In summary, the available evidence is currently insufficient to determine the role of this variant in disease. Therefore, it has been classified as a Variant of Uncertain Significance.

NM_001754.5(RUNX1):c.910C>T (p.Pro304Ser)

Gene: RUNX1 (RUNX family transcription factor 1; minus strand). Cytogenetic location: 21q22.12.
Variant type: single nucleotide variant.
Coding change: c.910C>T on transcript NM_001754.5 (MANE Select); coding-DNA position 910, C replaced by T.
Protein change: p.Pro304Ser; replaces proline 304 with serine.
Molecular consequence: missense variant.
Genome position (GRCh38, 1-based): chr21:34,799,358, G>A on the plus strand (C>T on the coding strand, the complement: RUNX1 is on the minus strand). VCF-style: chr21-34799358-G-A. GRCh37 (hg19) VCF-style: chr21-36171655-G-A.
Other names: NM_001754.5(RUNX1):c.910C>T; p.Pro304Ser; c.829C>T, p.Pro277Ser (NM_001001890.3); c.910C>T (NM_001754.4); short protein forms P277S, P304S.
Identifiers: ClinVar variation 1010346 (VCV001010346.10), dbSNP rs2056575944, ClinGen allele CA410149674.